The following is an entry in ClinVar:

ClinVar aggregate classification (germline): Uncertain significance. Review status: criteria provided, multiple submitters, no conflicts (2 of 4 stars). 2 submissions from 2 submitters: Uncertain significance (2). Last evaluated 2022-06-10.

Allele frequency attached by ClinVar (database versions not stated): gnomAD exomes below 0.00001; TOPMed below 0.00001; gnomAD 0.00001.
gnomAD v4.1: 6 of 1,434,928 alleles (0.00042%); highest among the groups gnomAD compares: Middle Eastern, 0.037%; no homozygotes.

Submissions (2):

Labcorp Genetics (formerly Invitae), Labcorp
Classification: Uncertain significance. Last evaluated: 2022-06-10. Review status: criteria provided, single submitter. Criteria: Invitae Variant Classification Sherloc (09022015). Collection method: clinical testing. Allele origin: germline.
Comment: This sequence change replaces leucine, which is neutral and non-polar, with isoleucine, which is neutral and non-polar, at codon 1944 of the EYS protein (p.Leu1944Ile). This variant is not present in population databases (gnomAD no frequency). This variant has not been reported in the literature in individuals affected with EYS-related conditions. ClinVar contains an entry for this variant (Variation ID: 497903). Algorithms developed to predict the effect of missense changes on protein structure and function are either unavailable or do not agree on the potential impact of this missense change (SIFT: "Deleterious"; PolyPhen-2: "Probably Damaging"; Align-GVGD: "Class C0"). In summary, the available evidence is currently insufficient to determine the role of this variant in disease. Therefore, it has been classified as a Variant of Uncertain Significance.

Eurofins Ntd Llc (ga)
Classification: Uncertain significance. Last evaluated: 2016-11-15. Review status: criteria provided, single submitter. Criteria: EGL Classification Definitions 2015. Collection method: clinical testing. Allele origin: germline. Observed: 1 variant allele, 1 heterozygote.

NM_001142800.2(EYS):c.5830T>A (p.Leu1944Ile)

Gene: EYS (eyes shut homolog; minus strand). Cytogenetic location: 6q12.
Variant type: single nucleotide variant.
Coding change: c.5830T>A on transcript NM_001142800.2 (MANE Select); coding-DNA position 5830, T replaced by A.
Protein change: p.Leu1944Ile; replaces leucine 1944 with isoleucine.
Molecular consequence: missense variant.
Genome position (GRCh38, 1-based): chr6:64,439,167, A>T on the plus strand (T>A on the coding strand, the complement: EYS is on the minus strand). VCF-style: chr6-64439167-A-T. GRCh37 (hg19) VCF-style: chr6-65149060-A-T.
Other names: c.5830T>A, p.Leu1944Ile (NM_001292009.2); short protein forms L1944I.
Identifiers: ClinVar variation 497903 (VCV000497903.6), dbSNP rs1232523835, ClinGen allele CA364392509.